The following is an entry in ClinVar:

NM_001267550.2(TTN):c.6583G>T (p.Glu2195Ter)

Gene: TTN (titin; minus strand). Cytogenetic location: 2q31.2.
Variant type: single nucleotide variant.
Coding change: c.6583G>T on transcript NM_001267550.2 (MANE Select); coding-DNA position 6583, G replaced by T.
Protein change: p.Glu2195Ter; replaces glutamic acid 2195 with a stop codon.
Molecular consequence: nonsense.
Genome position (GRCh38, 1-based): chr2:178,775,128, C>A on the plus strand (G>T on the coding strand, the complement: TTN is on the minus strand). VCF-style: chr2-178775128-C-A. GRCh37 (hg19) VCF-style: chr2-179639855-C-A.
Other names: c.6445G>T, p.Glu2149Ter (NM_003319.4, NM_133432.3, NM_133437.4); c.6583G>T, p.Glu2195Ter (NM_133378.4, NM_133379.5, NM_001256850.1); short protein forms E2149*, E2195*.
Identifiers: ClinVar variation 3463738 (VCV003463738.2).

ClinVar aggregate classification (germline): Conflicting classifications of pathogenicity. Review status: criteria provided, conflicting classifications (1 of 4 stars). 2 submissions from 2 submitters: Likely pathogenic (1); Uncertain significance (1). Last evaluated 2024-07-26.

Conditions:
Cardiovascular phenotype. Identifiers: MedGen CN230736.

Submissions (2):

Ambry Genetics
Classification: Likely pathogenic for Cardiovascular phenotype. Last evaluated: 2024-07-26. Review status: criteria provided, single submitter. Criteria: Ambry Variant Classification Scheme 2023. Collection method: clinical testing. Allele origin: germline.
Comment: The p.E2149* variant (also known as c.6445G>T), located in coding exon 27 of the TTN gene, results from a G to T substitution at nucleotide position 6445. This changes the amino acid from a glutamic acid to a stop codon within coding exon 27. This exon is located in the I-band region of the N2-B isoform of the titin protein and is constitutively expressed in TTN transcripts (percent spliced in or PSI 100%). This variant is considered to be rare based on population cohorts in the Genome Aggregation Database (gnomAD). This alteration is expected to result in loss of function by premature protein truncation or nonsense-mediated mRNA decay. While truncating variants in TTN are present in 1-3% of the general population, truncating variants in the A-band are the most common cause of dilated cardiomyopathy (DCM) (Herman DS et al. N. Engl. J. Med., 2012 Feb;366:619-28; Roberts AM et al. Sci Transl Med, 2015 Jan;7:270ra6). TTN truncating variants encoded in constitutive exons (PSI >90%) have been found to be significantly associated with DCM regardless of their position in titin (Schafer S et al. Nat. Genet., 2017 01;49:46-53). Based on the majority of available evidence to date, this variant is likely to be pathogenic.

Revvity Omics, Revvity
Classification: Uncertain significance. Last evaluated: 2024-06-27. Review status: criteria provided, single submitter. Criteria: ACMG Guidelines, 2015. Collection method: clinical testing. Allele origin: germline.